The following is an entry in ClinVar:

NM_003151.4(STAT4):c.1952A>T (p.Glu651Val)

Gene: STAT4 (signal transducer and activator of transcription 4; minus strand). Cytogenetic location: 2q32.2.
Variant type: single nucleotide variant.
Coding change: c.1952A>T on transcript NM_003151.4 (MANE Select); coding-DNA position 1952, A replaced by T.
Protein change: p.Glu651Val; replaces glutamic acid 651 with valine.
Molecular consequence: missense variant.
Genome position (GRCh38, 1-based): chr2:191,033,050, T>A on the plus strand (A>T on the coding strand, the complement: STAT4 is on the minus strand). VCF-style: chr2-191033050-T-A. GRCh37 (hg19) VCF-style: chr2-191897776-T-A.
Other names: c.1952A>T, p.Glu651Val (NM_001243835.2); short protein forms E651V.
Identifiers: ClinVar variation 1038442 (VCV001038442.9), dbSNP rs1412086117, ClinGen allele CA349907264.

ClinVar aggregate classification (germline): Uncertain significance (1 of 4 stars; one submission).

Submission:

Labcorp Genetics (formerly Invitae), Labcorp
Classification: Uncertain significance. Last evaluated: 2022-01-06. Review status: criteria provided, single submitter. Criteria: Invitae Variant Classification Sherloc (09022015). Collection method: clinical testing. Allele origin: germline.
Comment: In summary, the available evidence is currently insufficient to determine the role of this variant in disease. Therefore, it has been classified as a Variant of Uncertain Significance. Algorithms developed to predict the effect of missense changes on protein structure and function (SIFT, PolyPhen-2, Align-GVGD) all suggest that this variant is likely to be tolerated. ClinVar contains an entry for this variant (Variation ID: 1038442). This missense change has been observed in individual(s) with paracoccidioidomycosis (PMID: 29029192). This variant is not present in population databases (gnomAD no frequency). This sequence change replaces glutamic acid, which is acidic and polar, with valine, which is neutral and non-polar, at codon 651 of the STAT4 protein (p.Glu651Val).

Literature cited by the submitters: PubMed 29029192.